The following is an entry in ClinVar:

ClinVar aggregate classification (germline): Conflicting classifications of pathogenicity. Review status: criteria provided, conflicting classifications (1 of 4 stars). 2 submissions from 2 submitters: Uncertain significance (1); Likely benign (1). Last evaluated 2024-06-27.

Conditions:
Hereditary breast ovarian cancer syndrome. Also called: Hereditary breast and ovarian cancer; Hereditary breast and ovarian cancer syndrome (HBOC); Breast and ovarian cancer; Hereditary breast and/or ovarian cancer syndrome; BRCA1- and BRCA2-Associated Hereditary Breast and Ovarian Cancer; Hereditary breast and ovarian cancer syndrome. Identifiers: Orphanet 145, MedGen C0677776, MeSH D061325, MONDO:0003582. Disease mechanism: loss of function.
Hereditary cancer-predisposing syndrome. Also called: Neoplastic Syndromes, Hereditary; Tumor predisposition; Hereditary Cancer Syndrome; Hereditary neoplastic syndrome. Identifiers: Orphanet 140162, MedGen C0027672, MeSH D009386, MONDO:0015356.

Allele frequency attached by ClinVar (database versions not stated): gnomAD exomes below 0.00001.
gnomAD v4.1: 1 of 1,614,240 alleles (0.000062%); highest among the groups gnomAD compares: Non-Finnish European, 0.000085%; no homozygotes.

Submissions (3):

Ambry Genetics
Classification: Likely benign for Hereditary cancer-predisposing syndrome. Last evaluated: 2024-06-27. Review status: criteria provided, single submitter. Criteria: Ambry Variant Classification Scheme 2023. Collection method: clinical testing. Allele origin: germline.

Labcorp Genetics (formerly Invitae), Labcorp
Classification: Uncertain significance for Hereditary breast ovarian cancer syndrome. Last evaluated: 2022-07-28. Review status: criteria provided, single submitter. Criteria: Invitae Variant Classification Sherloc (09022015). Collection method: clinical testing. Allele origin: germline.
Comment: This sequence change replaces glutamic acid, which is acidic and polar, with glycine, which is neutral and non-polar, at codon 1638 of the BRCA1 protein (p.Glu1638Gly). This variant is not present in population databases (gnomAD no frequency). This variant has not been reported in the literature in individuals affected with BRCA1-related conditions. ClinVar contains an entry for this variant (Variation ID: 868402). Advanced modeling of protein sequence and biophysical properties (such as structural, functional, and spatial information, amino acid conservation, physicochemical variation, residue mobility, and thermodynamic stability) performed at Invitae indicates that this missense variant is not expected to disrupt BRCA1 protein function. Experimental studies have shown that this missense change does not substantially affect BRCA1 function (PMID: 30209399). In summary, the available evidence is currently insufficient to determine the role of this variant in disease. Therefore, it has been classified as a Variant of Uncertain Significance.

Brotman Baty Institute, University of Washington
No classification provided (evidence only). Condition: Breast-ovarian cancer, familial 1. Review status: no classification provided. Collection method: in vitro. Allele origin: not applicable. Functional consequence: functionally_normal. Not counted in ClinVar's aggregate classification.
ClinVar note: "not provided" was previously submitted as the classification for the variant. However, the classification appeared to be based only on an observation of functional data so it was converted to no classification on 2025-07-30.

Literature cited by the submitters: PubMed 30209399 (cited by Ambry Genetics and Labcorp Genetics (formerly Invitae), Labcorp).

NM_007294.4(BRCA1):c.4913A>G (p.Glu1638Gly)

Gene: BRCA1 (BRCA1 DNA repair associated; minus strand). Cytogenetic location: 17q21.31.
Variant type: single nucleotide variant.
Coding change: c.4913A>G on transcript NM_007294.4 (MANE Select); coding-DNA position 4913, A replaced by G.
Protein change: p.Glu1638Gly; replaces glutamic acid 1638 with glycine.
Molecular consequence: missense variant. On other transcripts: non-coding transcript variant (1).
Genome position (GRCh38, 1-based): chr17:43,071,001, T>C on the plus strand (A>G on the coding strand, the complement: BRCA1 is on the minus strand). VCF-style: chr17-43071001-T-C. GRCh37 (hg19) VCF-style: chr17-41223018-T-C.
Other names: c.4835A>G, p.Glu1612Gly (NM_001407654.1, NM_001407653.1, NM_001407655.1); c.4790A>G, p.Glu1597Gly (NM_001407665.1, NM_001407666.1, NM_001407667.1 and 6 more transcripts); c.4787A>G, p.Glu1596Gly (NM_001407670.1, NM_001407671.1, NM_001407672.1 and 11 more transcripts); c.4913A>G, p.Glu1638Gly (NM_001407684.1, NM_001407854.1, NM_001407593.1 and 8 more transcripts); c.4784A>G, p.Glu1595Gly (NM_001407685.1, NM_001407686.1, NM_001407687.1 and 6 more transcripts); c.4781A>G, p.Glu1594Gly (NM_001407690.1, NM_001407691.1); c.4772A>G, p.Glu1591Gly (NM_001407692.1, NM_001407729.1, NM_001407730.1 and 13 more transcripts); c.4769A>G, p.Glu1590Gly (NM_001407732.1, NM_001407733.1, NM_001407734.1 and 21 more transcripts); and 70 more; short protein forms E534G, E1591G, E1638G, E1659G, E1484G, E1510G, E1527G, E1566G.
Identifiers: ClinVar variation 868402 (VCV000868402.9), dbSNP rs2052380495, ClinGen allele CA10591697.